The following is an entry in ClinVar:

NM_001142800.2(EYS):c.7951A>G (p.Thr2651Ala)

Gene: EYS (eyes shut homolog; minus strand). Cytogenetic location: 6q12.
Variant type: single nucleotide variant.
Coding change: c.7951A>G on transcript NM_001142800.2 (MANE Select); coding-DNA position 7951, A replaced by G.
Protein change: p.Thr2651Ala; replaces threonine 2651 with alanine.
Molecular consequence: missense variant.
Genome position (GRCh38, 1-based): chr6:63,762,581, T>C on the plus strand (A>G on the coding strand, the complement: EYS is on the minus strand). VCF-style: chr6-63762581-T-C. GRCh37 (hg19) VCF-style: chr6-64472474-T-C.
Other names: c.7951A>G, p.Thr2651Ala (NM_001292009.2); short protein forms T2651A.
Identifiers: ClinVar variation 1925118 (VCV001925118.2), dbSNP rs2533486900, ClinGen allele CA364390264.

ClinVar aggregate classification (germline): Uncertain significance (1 of 4 stars; one submission).

Allele frequency attached by ClinVar (database versions not stated): gnomAD exomes below 0.00001.
gnomAD v4.1: 4 of 1,550,426 alleles (0.00026%); highest among the groups gnomAD compares: Non-Finnish European, 0.00035%; no homozygotes.

Submission:

Labcorp Genetics (formerly Invitae), Labcorp
Classification: Uncertain significance. Last evaluated: 2022-08-03. Review status: criteria provided, single submitter. Criteria: Invitae Variant Classification Sherloc (09022015). Collection method: clinical testing. Allele origin: germline.
Comment: This sequence change replaces threonine, which is neutral and polar, with alanine, which is neutral and non-polar, at codon 2651 of the EYS protein (p.Thr2651Ala). This variant is not present in population databases (gnomAD no frequency). This variant has not been reported in the literature in individuals affected with EYS-related conditions. Algorithms developed to predict the effect of missense changes on protein structure and function (SIFT, PolyPhen-2, Align-GVGD) all suggest that this variant is likely to be tolerated. In summary, the available evidence is currently insufficient to determine the role of this variant in disease. Therefore, it has been classified as a Variant of Uncertain Significance.